The following is an entry in ClinVar:

NM_000053.4(ATP7B):c.3901A>G (p.Arg1301Gly)

Gene: ATP7B (ATPase copper transporting beta; minus strand). Cytogenetic location: 13q14.3.
Variant type: single nucleotide variant.
Coding change: c.3901A>G on transcript NM_000053.4 (MANE Select); coding-DNA position 3901, A replaced by G.
Protein change: p.Arg1301Gly; replaces arginine 1301 with glycine.
Molecular consequence: missense variant. On other transcripts: intron variant (1).
Genome position (GRCh38, 1-based): chr13:51,937,478, T>C on the plus strand (A>G on the coding strand, the complement: ATP7B is on the minus strand). VCF-style: chr13-51937478-T-C. GRCh37 (hg19) VCF-style: chr13-52511614-T-C.
Other names: p.Arg1301Gly; c.3280A>G, p.Arg1094Gly (NM_001005918.3); c.3568A>G, p.Arg1190Gly (NM_001243182.2); c.3667A>G, p.Arg1223Gly (NM_001330578.2, NM_001406527.1, NM_001406528.1); c.3649A>G, p.Arg1217Gly (NM_001330579.2, NM_001406531.1, NM_001406532.1); c.3901A>G, p.Arg1301Gly (NM_001406511.1, NM_001406512.1); c.3895A>G, p.Arg1299Gly (NM_001406513.1); c.3868A>G, p.Arg1290Gly (NM_001406514.1); and 22 more; short protein forms R1020G, R1074G, R1085G, R1094G, R1107G, R1137G, R1139G, R1152G.
Identifiers: ClinVar variation 2683230 (VCV002683230.2), dbSNP rs1957038246, ClinGen allele CA388021355.

ClinVar aggregate classification (germline): Uncertain significance. Review status: criteria provided, multiple submitters, no conflicts (2 of 4 stars). 2 submissions from 2 submitters: Uncertain significance (2). Last evaluated 2024-06-11.

Conditions:
Wilson disease (WND). Also called: Wilson's disease. Identifiers: Orphanet 905, MedGen C0019202, MONDO:0010200, OMIM 277900. Disease mechanism: loss of function.

Allele frequency attached by ClinVar (database versions not stated): gnomAD exomes below 0.00001.
gnomAD v4.1: 6 of 1,614,126 alleles (0.00037%); highest among the groups gnomAD compares: East Asian, 0.0022%; no homozygotes.

Submissions (2):

All of Us Research Program, National Institutes of Health
Classification: Uncertain significance for Wilson disease. Last evaluated: 2024-06-11. Review status: criteria provided, single submitter. Criteria: ACMG Guidelines, 2015. Collection method: clinical testing. Allele origin: germline. Inheritance: Autosomal recessive inheritance. Observed: 1 variant allele, 1 heterozygote.
Comment: This study involves interpretation of variants in research participants for the purpose of population health screening. Participant phenotype was not available at the time of variant classification. Additional details can be found in publication PMID: 35346344, PMCID: PMC8962531

Mayo Clinic Laboratories, Mayo Clinic
Classification: Uncertain significance. Last evaluated: 2023-04-12. Review status: criteria provided, single submitter. Criteria: ACMG Guidelines, 2015. Collection method: clinical testing. Allele origin: germline. Observed: 1 variant allele.
Comment: PP3, PM2